The following is an entry in ClinVar:

ClinVar aggregate classification (germline): Conflicting classifications of pathogenicity. Review status: criteria provided, conflicting classifications (1 of 4 stars). 3 submissions from 3 submitters: Uncertain significance (1); Likely benign (2). Last evaluated 2025-04-21.

Conditions:
Hereditary cancer-predisposing syndrome. Also called: Hereditary Cancer Syndrome; Hereditary neoplastic syndrome; Tumor predisposition; Neoplastic Syndromes, Hereditary. Identifiers: Orphanet 140162, MedGen C0027672, MeSH D009386, MONDO:0015356.

Allele frequency attached by ClinVar (database versions not stated): TOPMed below 0.00001; gnomAD 0.00001; gnomAD exomes 0.00001 and 0.00002; ExAC 0.00002.

Submissions (3):

Labcorp Genetics (formerly Invitae), Labcorp
Classification: Likely benign. Last evaluated: 2025-04-21. Review status: criteria provided, single submitter. Criteria: Invitae Variant Classification Sherloc (09022015). Collection method: clinical testing. Allele origin: germline.

Quest Diagnostics Nichols Institute San Juan Capistrano
Classification: Uncertain significance. Last evaluated: 2023-05-26. Review status: criteria provided, single submitter. Criteria: Quest Diagnostics criteria. Collection method: clinical testing. Allele origin: unknown.
Comment: To the best of our knowledge, this variant has not been reported in the published literature. The frequency of this variant in the general population, 0.000098 (3/30592 chromosomes (Genome Aggregation Database)), is uninformative in the assessment of its pathogenicity. Analysis of this variant using software algorithms for the prediction of the effect of nucleotide changes on NTHL1 mRNA splicing yielded predictions that this variant may result in the gain of a cryptic splice site without affecting the natural splice sites . Based on the available information, we are unable to determine the clinical significance of this variant.

Ambry Genetics
Classification: Likely benign for Hereditary cancer-predisposing syndrome. Last evaluated: 2021-03-29. Review status: criteria provided, single submitter. Criteria: Ambry Variant Classification Scheme 2023. Collection method: clinical testing. Allele origin: germline.

NM_002528.7(NTHL1):c.834C>T (p.Gly278=)

Gene: NTHL1 (nth like DNA glycosylase 1; minus strand). Cytogenetic location: 16p13.3.
Variant type: single nucleotide variant.
Coding change: c.834C>T on transcript NM_002528.7 (MANE Select); coding-DNA position 834, C replaced by T.
Protein change: p.Gly278=; no amino-acid change (glycine 278 retained).
Molecular consequence: synonymous variant.
Genome position (GRCh38, 1-based): chr16:2,040,005, G>A on the plus strand (C>T on the coding strand, the complement: NTHL1 is on the minus strand). VCF-style: chr16-2040005-G-A. GRCh37 (hg19) VCF-style: chr16-2090006-G-A.
Other names: c.663C>T, p.Gly221= (NM_001318193.2); c.504C>T, p.Gly168= (NM_001318194.2); c.858C>T (NM_002528.6).
Identifiers: ClinVar variation 1081725 (VCV001081725.13), dbSNP rs747049346, ClinGen allele CA7828084.
Genomic context (GRCh38, chr16:2,040,005, plus strand): 5'-GCAGAGGGCTTGGTTGAGGCAGGCGTGGCAGCGAGGGTGCACAGGCAGACAGGTCTGCTG[G>A]CCGAAGCCCACCAAGAGTCCATTGATCTCGTGCCACAGCTCCCTGTGGGGGTGGGGGCTG-3'
Protein context (NP_002519.2, residues 268-288): HEINGLLVGF[Gly278=]QQTCLPVHPR